The following is an entry in ClinVar:

ClinVar aggregate classification (germline): Conflicting classifications of pathogenicity. Review status: criteria provided, conflicting classifications (1 of 4 stars). 2 submissions from 2 submitters: Uncertain significance (1); Likely benign (1). Last evaluated 2024-03-17.

Conditions:
Osteogenesis imperfecta type 17. Also called: Osteogenesis imperfecta, type xvii. Identifiers: Orphanet 666, MedGen C4225301, MONDO:0014672, OMIM 616507.

Allele frequency attached by ClinVar (database versions not stated): gnomAD exomes below 0.00001; TOPMed 0.00001; ESP Exome Variant Server 0.00015.
gnomAD v4.1: 6 of 1,610,832 alleles (0.00037%); highest among the groups gnomAD compares: Non-Finnish European, 0.00051%; no homozygotes.

Submissions (2):

Genomic Medicine Center of Excellence, King Faisal Specialist Hospital and Research Centre
Classification: Likely benign for Osteogenesis imperfecta type 17. Last evaluated: 2024-03-17. Review status: criteria provided, single submitter. Criteria: ACMG Guidelines, 2015. Collection method: research. Allele origin: germline.

Labcorp Genetics (formerly Invitae), Labcorp
Classification: Uncertain significance. Last evaluated: 2023-11-19. Review status: criteria provided, single submitter. Criteria: Invitae Variant Classification Sherloc (09022015). Collection method: clinical testing. Allele origin: germline.
Comment: This sequence change affects codon 19 of the SPARC mRNA. It is a 'silent' change, meaning that it does not change the encoded amino acid sequence of the SPARC protein. It affects a nucleotide within the consensus splice site. The frequency data for this variant in the population databases is considered unreliable, as metrics indicate poor data quality at this position in the gnomAD database. This variant has not been reported in the literature in individuals affected with SPARC-related conditions. Algorithms developed to predict the effect of sequence changes on RNA splicing suggest that this variant is not likely to affect RNA splicing. In summary, the available evidence is currently insufficient to determine the role of this variant in disease. Therefore, it has been classified as a Variant of Uncertain Significance.

NM_003118.4(SPARC):c.57T>C (p.Pro19=)

Gene: SPARC (secreted protein acidic and cysteine rich; minus strand). Cytogenetic location: 5q33.1.
Variant type: single nucleotide variant.
Coding change: c.57T>C on transcript NM_003118.4 (MANE Select); coding-DNA position 57, T replaced by C.
Protein change: p.Pro19=; no amino-acid change (proline 19 retained).
Molecular consequence: synonymous variant.
Genome position (GRCh38, 1-based): chr5:151,676,132, A>G on the plus strand (T>C on the coding strand, the complement: SPARC is on the minus strand). VCF-style: chr5-151676132-A-G. GRCh37 (hg19) VCF-style: chr5-151055693-A-G.
Other names: c.57T>C, p.Pro19= (NM_001309443.2, NM_001309444.2).
Identifiers: ClinVar variation 2958729 (VCV002958729.5), dbSNP rs369337074, ClinGen allele CA129967732.